The following is an entry in ClinVar:

NM_000318.3(PEX2):c.62A>G (p.Asp21Gly)

Gene: PEX2 (peroxisomal biogenesis factor 2; minus strand). Cytogenetic location: 8q21.13.
Variant type: single nucleotide variant.
Coding change: c.62A>G on transcript NM_000318.3 (MANE Select); coding-DNA position 62, A replaced by G.
Protein change: p.Asp21Gly; replaces aspartic acid 21 with glycine.
Molecular consequence: missense variant.
Genome position (GRCh38, 1-based): chr8:76,984,117, T>C on the plus strand (A>G on the coding strand, the complement: PEX2 is on the minus strand). VCF-style: chr8-76984117-T-C. GRCh37 (hg19) VCF-style: chr8-77896353-T-C.
Other names: c.62A>G, p.Asp21Gly (NM_001079867.2, NM_001172086.2, NM_001172087.2); short protein forms D21G.
Identifiers: ClinVar variation 1388962 (VCV001388962.5), dbSNP rs1484917700, ClinGen allele CA371558172.

ClinVar aggregate classification (germline): Uncertain significance (1 of 4 stars; one submission).

Conditions:
Peroxisome biogenesis disorder 5A (Zellweger) (PBD5A). Identifiers: Orphanet 912, MedGen C3553940, MONDO:0013932, OMIM 614866.

Allele frequency attached by ClinVar (database versions not stated): gnomAD exomes 0.00001.
gnomAD v4.1: 10 of 1,613,846 alleles (0.00062%); highest among the groups gnomAD compares: Non-Finnish European, 0.00076%; no homozygotes.

Submission:

Labcorp Genetics (formerly Invitae), Labcorp
Classification: Uncertain significance for Peroxisome biogenesis disorder 5A (Zellweger). Last evaluated: 2021-08-28. Review status: criteria provided, single submitter. Criteria: Invitae Variant Classification Sherloc (09022015). Collection method: clinical testing. Allele origin: germline.
Comment: This sequence change replaces aspartic acid with glycine at codon 21 of the PEX2 protein (p.Asp21Gly). The aspartic acid residue is highly conserved and there is a moderate physicochemical difference between aspartic acid and glycine. This variant is not present in population databases (ExAC no frequency). This variant has not been reported in the literature in individuals affected with PEX2-related conditions. Algorithms developed to predict the effect of missense changes on protein structure and function (SIFT, PolyPhen-2, Align-GVGD) all suggest that this variant is likely to be disruptive. In summary, the available evidence is currently insufficient to determine the role of this variant in disease. Therefore, it has been classified as a Variant of Uncertain Significance.